The following is an entry in ClinVar:

NM_145659.3(IL27):c.175T>G (p.Ser59Ala)

Gene: IL27 (interleukin 27; minus strand). Cytogenetic location: 16p11.2.
Variant type: single nucleotide variant.
Coding change: c.175T>G on transcript NM_145659.3 (MANE Select); coding-DNA position 175, T replaced by G.
Protein change: p.Ser59Ala; replaces serine 59 with alanine.
Molecular consequence: missense variant.
Genome position (GRCh38, 1-based): chr16:28,503,907, A>C on the plus strand (T>G on the coding strand, the complement: IL27 is on the minus strand). VCF-style: chr16-28503907-A-C. GRCh37 (hg19) VCF-style: chr16-28515228-A-C.
Other names: short protein forms S59A.
Identifiers: ClinVar variation 1273271 (VCV001273271.2), dbSNP rs17855750, ClinGen allele CA7982079.
Genomic context (GRCh38, chr16:28,503,907, plus strand): 5'-CTCCAGCGCCAGCTGCATTAGGGGGACTTACAAAGCGGTGGGCCTGGCCCCGAACCTCGG[A>C]GAGCAGCTTCCTGGCGAGATGCAGGCTGACTGTGAACTCCCTCCGCAGCTCCTGCAGGCT-3'
Protein context (NP_663634.2, residues 49-69): VSLHLARKLL[Ser59Ala]EVRGQAHRFA

ClinVar aggregate classification (germline): Benign. Review status: criteria provided, multiple submitters, no conflicts (2 of 4 stars). 2 submissions from 2 submitters: Benign (2). Last evaluated 2020-07-15.

Allele frequency attached by ClinVar (database versions not stated): ESP Exome Variant Server 0.05610; ExAC 0.06198; 1000 Genomes Project 30x 0.06574; 1000 Genomes Project 0.06709.
gnomAD v4.1: 84,624 of 1,614,126 alleles (5.2%); highest among the groups gnomAD compares: East Asian, 11%; 2,547 homozygotes.

Submissions (2):

GeneDx
Classification: Benign. Last evaluated: 2020-07-15. Review status: criteria provided, single submitter. Criteria: GeneDx Variant Classification Process June 2021. Collection method: clinical testing. Allele origin: germline. Affected: yes.
Comment: This variant is associated with the following publications: (PMID: 25075448, 24352695)

Breakthrough Genomics
Classification: Benign. Review status: criteria provided, single submitter. Criteria: ACMG Guidelines, 2015. Collection method: not provided. Allele origin: germline. Inheritance: Unknown mechanism. Affected: yes.